The following is an entry in ClinVar:

ClinVar aggregate classification (germline): Likely benign. Review status: criteria provided, multiple submitters, no conflicts (2 of 4 stars). 3 submissions from 3 submitters: Likely benign (3). Last evaluated 2023-10-04.

Conditions:
RYR1-related disorder. Also called: RYR1-related disorders; RYR1-related condition. Identifiers: MedGen CN239331.
Malignant hyperthermia, susceptibility to, 1 (MHS1). Also called: Anesthesia related hyperthermia; Malignant hyperpyrexia; Fulminating hyperpyrexia; Pharmacogenic myopathy; RYR1-Related Malignant Hyperthermia Susceptibility; Malignant hyperthermia suceptibility 1. Identifiers: Orphanet 423, MedGen C2930980, MONDO:0007783, OMIM 145600.

Allele frequency attached by ClinVar (database versions not stated): gnomAD exomes below 0.00001.
gnomAD v4.1: 2 of 1,614,142 alleles (0.00012%); highest among the groups gnomAD compares: South Asian, 0.0022%; no homozygotes.

Submissions (3):

Labcorp Genetics (formerly Invitae), Labcorp
Classification: Likely benign for RYR1-related disorder. Last evaluated: 2023-10-04. Review status: criteria provided, single submitter. Criteria: Invitae Variant Classification Sherloc (09022015). Collection method: clinical testing. Allele origin: germline.

All of Us Research Program, National Institutes of Health
Classification: Likely benign for Malignant hyperthermia, susceptibility to, 1. Last evaluated: 2023-08-15. Review status: criteria provided, single submitter. Criteria: ACMG Guidelines, 2015. Collection method: clinical testing. Allele origin: germline. Inheritance: Autosomal dominant inheritance. Observed: 1 variant allele, 1 heterozygote.
Comment: This study involves interpretation of variants in research participants for the purpose of population health screening. Participant phenotype was not available at the time of variant classification. Additional details can be found in publication PMID: 35346344, PMCID: PMC8962531

Color Diagnostics, LLC DBA Color Health
Classification: Likely benign for Malignant hyperthermia, susceptibility to, 1. Last evaluated: 2023-07-26. Review status: criteria provided, single submitter. Criteria: ACMG Guidelines, 2015. Collection method: clinical testing. Allele origin: germline.

NM_000540.3(RYR1):c.9030C>T (p.Phe3010=)

Gene: RYR1 (ryanodine receptor 1; plus strand). Cytogenetic location: 19q13.2.
Variant type: single nucleotide variant.
Coding change: c.9030C>T on transcript NM_000540.3 (MANE Select); coding-DNA position 9030, C replaced by T.
Protein change: p.Phe3010=; no amino-acid change (phenylalanine 3010 retained).
Molecular consequence: synonymous variant.
Genome position (GRCh38, 1-based): chr19:38,510,689, C>T. VCF-style: chr19-38510689-C-T. GRCh37 (hg19) VCF-style: chr19-39001329-C-T.
Other names: c.9030C>T, p.Phe3010= (NM_001042723.2).
Identifiers: ClinVar variation 2151673 (VCV002151673.5), dbSNP rs1197275310, ClinGen allele CA507246213.